The following is an entry in ClinVar:

NM_020163.3(SEMA3G):c.2197G>A (p.Gly733Ser)

Gene: SEMA3G (semaphorin 3G; minus strand). Cytogenetic location: 3p21.1.
Variant type: single nucleotide variant.
Coding change: c.2197G>A on transcript NM_020163.3 (MANE Select); coding-DNA position 2197, G replaced by A.
Protein change: p.Gly733Ser; replaces glycine 733 with serine.
Molecular consequence: missense variant.
Genome position (GRCh38, 1-based): chr3:52,435,755, C>T on the plus strand (G>A on the coding strand, the complement: SEMA3G is on the minus strand). VCF-style: chr3-52435755-C-T. GRCh37 (hg19) VCF-style: chr3-52469771-C-T.
Other names: short protein forms G733S.
Identifiers: ClinVar variation 3351401 (VCV003351401.2).
Genomic context (GRCh38, chr3:52,435,755, plus strand): 5'-TGCCCCTGGCCTGCTTGCCCCGGCTCCGGCTCCGGAAGCAGCCTGAGCATTCCGTGGTGC[C>T]CCTGCACCACACGCGCTCACAGTACTCATCCACCCGGGGCAGGTTGGCGAAGCCAATGAG-3'
Protein context (NP_064548.1, residues 723-743): DEYCERVWCR[Gly733Ser]TTECSGCFRS

ClinVar aggregate classification (germline): Uncertain significance (1 of 4 stars; one submission).

Conditions:
SEMA3G-related disorder. Also called: SEMA3G-related condition.

gnomAD v4.1: 33 of 1,614,090 alleles (0.002%); highest among the groups gnomAD compares: African/African-American, 0.043%; no homozygotes.

Submission:

PreventionGenetics, part of Exact Sciences
Classification: Uncertain significance for SEMA3G-related condition. Last evaluated: 2025-05-06. Review status: criteria provided, single submitter. Criteria: ACMG Guidelines, 2015. Collection method: clinical testing. Allele origin: germline.
Comment: The SEMA3G c.2197G>A variant is predicted to result in the amino acid substitution p.Gly733Ser. To our knowledge, this variant has not been reported in the literature. This variant is reported in 0.056% of alleles in individuals of African descent in gnomAD, which may be too common to be an undocumented cause of disease. Although we suspect that this variant may be benign, at this time, the clinical significance of this variant is uncertain due to the absence of conclusive functional and genetic evidence.